The following is an entry in ClinVar:

NM_019066.5(MAGEL2):c.2175T>C (p.Ser725=)

Gene: MAGEL2 (MAGE family member L2; minus strand). Cytogenetic location: 15q11.2.
Variant type: single nucleotide variant.
Coding change: c.2175T>C on transcript NM_019066.5 (MANE Select); coding-DNA position 2175, T replaced by C.
Protein change: p.Ser725=; no amino-acid change (serine 725 retained).
Molecular consequence: synonymous variant.
Genome position (GRCh38, 1-based): chr15:23,645,568, A>G on the plus strand (T>C on the coding strand, the complement: MAGEL2 is on the minus strand). VCF-style: chr15-23645568-A-G. GRCh37 (hg19) VCF-style: chr15-23890715-A-G.
Identifiers: ClinVar variation 3687383 (VCV003687383.2).
Genomic context (GRCh38, chr15:23,645,568, plus strand): 5'-AGGGGCCCTGCGCTCCTTCGAGGAGGTCCTGCGCTCTTTAGAGGAGCCCCTGCGGTCTAT[A>G]GAAGAGGCCCTGCATTCTCCTGATGGAGTCATCAATGATTTAGCGGAGCCCAGGGGAAAA-3'
Protein context (NP_061939.3, residues 715-735): MTPSGECRAS[Ser725=]IDRRGSSKER

ClinVar aggregate classification (germline): Uncertain significance (1 of 4 stars; one submission).

Submission:

Labcorp Genetics (formerly Invitae), Labcorp
Classification: Uncertain significance. Last evaluated: 2024-03-25. Review status: criteria provided, single submitter. Criteria: Invitae Variant Classification Sherloc (09022015). Collection method: clinical testing. Allele origin: germline.
Comment: This sequence change affects codon 725 of the MAGEL2 mRNA. It is a 'silent' change, meaning that it does not change the encoded amino acid sequence of the MAGEL2 protein. This variant is not present in population databases (gnomAD no frequency). This variant has not been reported in the literature in individuals affected with MAGEL2-related conditions. In summary, the available evidence is currently insufficient to determine the role of this variant in disease. Therefore, it has been classified as a Variant of Uncertain Significance.